The following is an entry in ClinVar:

NM_001903.5(CTNNA1):c.1010del (p.Cys337fs)

Gene: CTNNA1 (catenin alpha 1; plus strand). Cytogenetic location: 5q31.2.
Variant type: Deletion.
Coding change: c.1010del on transcript NM_001903.5 (MANE Select); coding-DNA position 1010, one base deleted (G; older notation c.1010delG).
Protein change: p.Cys337fs; shifts the reading frame from cysteine 337.
Molecular consequence: frameshift variant.
Genome position (GRCh38, 1-based): chr5:138,827,666, G deleted. VCF-style (leftmost placement, unchanged base first): chr5-138827665-TG-T. GRCh37 (hg19) VCF-style: chr5-138163354-TG-T.
Other names: c.1010del, p.Cys337fs (NM_001290307.3, NM_001323982.2, NM_001323983.1 and 3 more transcripts); c.701del, p.Cys234fs (NM_001290309.3); c.641del, p.Cys214fs (NM_001290310.3); short protein forms C337fs, C214fs, C234fs.
Identifiers: ClinVar variation 961593 (VCV000961593.7), dbSNP rs1760856538, ClinGen allele CA1139659085.

ClinVar aggregate classification (germline): Pathogenic (1 of 4 stars; one submission).

Submission:

Labcorp Genetics (formerly Invitae), Labcorp
Classification: Pathogenic. Last evaluated: 2023-05-15. Review status: criteria provided, single submitter. Criteria: Invitae Variant Classification Sherloc (09022015). Collection method: clinical testing. Allele origin: germline.
Comment: This variant has not been reported in the literature in individuals affected with CTNNA1-related conditions. For these reasons, this variant has been classified as Pathogenic. ClinVar contains an entry for this variant (Variation ID: 961593). This variant is not present in population databases (gnomAD no frequency). This sequence change creates a premature translational stop signal (p.Cys337Leufs*32) in the CTNNA1 gene. It is expected to result in an absent or disrupted protein product. Loss-of-function variants in CTNNA1 are known to be pathogenic (PMID: 32051609, 34425242).

Literature cited by the submitters: PubMed 32051609; PubMed 34425242.